The following is an entry in ClinVar:

ClinVar aggregate classification (germline): Likely benign (1 of 4 stars; one submission).

Submission:

CeGaT Center for Human Genetics Tuebingen
Classification: Likely benign. Last evaluated: 2022-12-01. Review status: criteria provided, single submitter. Criteria: CeGaT Center For Human Genetics Tuebingen Variant Classification Criteria Version 2. Collection method: clinical testing. Allele origin: germline. Affected: yes. Observed: 1 variant allele.
Comment: CHD7: PM2:Supporting, BP4, BP7

NM_017780.4(CHD7):c.2352C>G (p.Ser784=)

Gene: CHD7 (chromodomain helicase DNA binding protein 7; plus strand). Cytogenetic location: 8q12.2.
Variant type: single nucleotide variant.
Coding change: c.2352C>G on transcript NM_017780.4 (MANE Select); coding-DNA position 2352, C replaced by G.
Protein change: p.Ser784=; no amino-acid change (serine 784 retained).
Molecular consequence: synonymous variant. On other transcripts: intron variant (1).
Genome position (GRCh38, 1-based): chr8:60,800,501, C>G. VCF-style: chr8-60800501-C-G. GRCh37 (hg19) VCF-style: chr8-61713060-C-G.
Other names: c.1716+19451C>G (NM_001316690.1).
Identifiers: ClinVar variation 2658619 (VCV002658619.24), dbSNP rs2487673714, ClinGen allele CA460843961.